The following is an entry in ClinVar:

ClinVar aggregate classification (germline): Uncertain significance. Review status: criteria provided, multiple submitters, no conflicts (2 of 4 stars). 4 submissions from 4 submitters: Uncertain significance (4). Last evaluated 2026-05-11.

Conditions:
Autosomal recessive ataxia, Beauce type. Also called: Spinocerebellar ataxia, autosomal recessive 8; ATAXIA, RECESSIVE, OF BEAUCE; SYNE1 Deficiency; SYNE1-Related Autosomal Recessive Cerebellar Ataxia. Identifiers: Orphanet 88644, MedGen C1853116, MONDO:0012549, OMIM 610743.
Emery-Dreifuss muscular dystrophy 4, autosomal dominant (EDMD4). Also called: EMERY-DREIFUSS MUSCULAR DYSTROPHY 4 WITH VARIABLE FEATURES. Identifiers: Orphanet 261, MedGen C2751807, MONDO:0013071, OMIM 612998.

Allele frequency attached by ClinVar (database versions not stated): TOPMed 0.00001.
gnomAD v4.1: 16 of 1,614,002 alleles (0.00099%); highest among the groups gnomAD compares: Non-Finnish European, 0.0013%; no homozygotes.

Submissions (4):

Women's Health and Genetics/Laboratory Corporation of America, LabCorp
Classification: Uncertain significance. Last evaluated: 2026-05-11. Review status: criteria provided, single submitter. Criteria: LabCorp Variant Classification Summary - May 2015. Collection method: clinical testing. Allele origin: germline.
Comment: Variant summary: SYNE1 c.22032G>T (p.Glu7344Asp) results in a conservative amino acid change in the encoded protein sequence. Algorithms developed to predict the effect of missense changes on protein structure and function are either unavailable or do not agree on the potential impact of this missense change. The variant allele was found at a frequency of 1.6e-05 in 251322 control chromosomes. The available data on variant occurrences in the general population are insufficient to allow any conclusion about variant significance. To our knowledge, no occurrence of c.22032G>T in individuals affected with SYNE1-related conditions and no experimental evidence demonstrating its impact on protein function have been reported. ClinVar contains an entry for this variant (Variation ID: 285478). Based on the evidence outlined above, the variant was classified as uncertain significance.

Labcorp Genetics (formerly Invitae), Labcorp
Classification: Uncertain significance for Emery-Dreifuss muscular dystrophy 4, autosomal dominant; Autosomal recessive ataxia, Beauce type. Last evaluated: 2023-11-27. Review status: criteria provided, single submitter. Criteria: Invitae Variant Classification Sherloc (09022015). Collection method: clinical testing. Allele origin: germline.
Comment: This sequence change replaces glutamic acid, which is acidic and polar, with aspartic acid, which is acidic and polar, at codon 7344 of the SYNE1 protein (p.Glu7344Asp). This variant is present in population databases (rs767375107, gnomAD 0.004%). This variant has not been reported in the literature in individuals affected with SYNE1-related conditions. ClinVar contains an entry for this variant (Variation ID: 285478). An algorithm developed to predict the effect of missense changes on protein structure and function (PolyPhen-2) suggests that this variant is likely to be disruptive. In summary, the available evidence is currently insufficient to determine the role of this variant in disease. Therefore, it has been classified as a Variant of Uncertain Significance.

Revvity Omics, Revvity
Classification: Uncertain significance. Last evaluated: 2020-03-05. Review status: criteria provided, single submitter. Criteria: ACMG Guidelines, 2015. Collection method: clinical testing. Allele origin: germline.

Eurofins Ntd Llc (ga)
Classification: Uncertain significance. Last evaluated: 2016-01-29. Review status: criteria provided, single submitter. Criteria: EGL Classification Definitions 2015. Collection method: clinical testing. Allele origin: germline. Observed: 1 variant allele, 1 heterozygote.

NM_182961.4(SYNE1):c.22245G>T (p.Glu7415Asp)

Gene: SYNE1 (spectrin repeat containing nuclear envelope protein 1; minus strand). Cytogenetic location: 6q25.2.
Variant type: single nucleotide variant.
Coding change: c.22245G>T on transcript NM_182961.4 (MANE Select); coding-DNA position 22245, G replaced by T.
Protein change: p.Glu7415Asp; replaces glutamic acid 7415 with aspartic acid.
Molecular consequence: missense variant.
Genome position (GRCh38, 1-based): chr6:152,215,007, C>A on the plus strand (G>T on the coding strand, the complement: SYNE1 is on the minus strand). VCF-style: chr6-152215007-C-A. GRCh37 (hg19) VCF-style: chr6-152536142-C-A.
Other names: c.22032G>T, p.Glu7344Asp (NM_033071.5); short protein forms E7344D, E7415D.
Identifiers: ClinVar variation 285478 (VCV000285478.19), dbSNP rs767375107, ClinGen allele CA4053923.